The following is an entry in ClinVar:

NM_152564.5(VPS13B):c.11506_11507del (p.Gln3836fs)

Gene: VPS13B (vacuolar protein sorting 13 homolog B; plus strand). Cytogenetic location: 8q22.2.
Variant type: Deletion.
Coding change: c.11506_11507del on transcript NM_152564.5 (MANE Select); coding-DNA positions 11506 to 11507, 2 bases deleted (CA; older notation c.11506_11507delCA).
Protein change: p.Gln3836fs; shifts the reading frame from glutamine 3836.
Molecular consequence: frameshift variant.
Genome position (GRCh38, 1-based): chr8:99,871,458-99,871,459, CA deleted. VCF-style (leftmost placement, unchanged base first): chr8-99871457-TCA-T. GRCh37 (hg19) VCF-style: chr8-100883685-TCA-T.
Other names: c.11581_11582del, p.Gln3861fs (NM_017890.5); short protein forms Q3836fs, Q3861fs.
Identifiers: ClinVar variation 2961852 (VCV002961852.3), dbSNP rs2492375984, ClinGen allele CA2688073801.
Genomic context (GRCh38, chr8:99,871,457, plus strand): 5'-GACCATCTTTTCACAGCTGGCCCCTGGCCTCACTTTTCTCCTTTTAAACAGGAAAATGCT[TCA>T]GTCTCTGGGCAGACCAGAAGTCCACATGGCCCTGGACGTGGTTCTGGTGAGGGGCTCAGG-3'

ClinVar aggregate classification (germline): Pathogenic (1 of 4 stars; one submission).

Conditions:
Cohen syndrome (COH1). Also called: Cutis verticis gyrata, retinitis pigmentosa, and sensorineural deafness; PEPPER SYNDROME. Identifiers: Orphanet 193, MedGen C0265223, MONDO:0008999, OMIM 216550.

Allele frequency attached by ClinVar (database versions not stated): gnomAD exomes below 0.00001.

Submission:

Labcorp Genetics (formerly Invitae), Labcorp
Classification: Pathogenic for Cohen syndrome. Last evaluated: 2023-12-09. Review status: criteria provided, single submitter. Criteria: Invitae Variant Classification Sherloc (09022015). Collection method: clinical testing. Allele origin: germline.
Comment: This sequence change creates a premature translational stop signal (p.Gln3861Valfs*24) in the VPS13B gene. It is expected to result in an absent or disrupted protein product. Loss-of-function variants in VPS13B are known to be pathogenic (PMID: 15141358, 16648375, 20461111). This variant is not present in population databases (gnomAD no frequency). This variant has not been reported in the literature in individuals affected with VPS13B-related conditions. For these reasons, this variant has been classified as Pathogenic.

Literature cited by the submitters: PubMed 15141358; PubMed 16648375; PubMed 20461111.